The following is an entry in ClinVar:

ClinVar aggregate classification (germline): Uncertain significance (1 of 4 stars; one submission).

gnomAD v4.1: 3 of 1,611,900 alleles (0.00019%); highest among the groups gnomAD compares: Non-Finnish European, 0.00025%; no homozygotes.

Submission:

GeneDx
Classification: Uncertain significance. Last evaluated: 2026-02-05. Review status: criteria provided, single submitter. Criteria: GeneDx Variant Classification Process June 2021. Collection method: clinical testing. Allele origin: germline.
Comment: Not observed at significant frequency in large population cohorts (gnomAD); In silico analysis supports that this missense variant has a deleterious effect on protein structure/function; Has not been previously published as pathogenic or benign to our knowledge

NM_018082.6(POLR3B):c.3073C>T (p.Arg1025Trp)

Genes: POLR3B (RNA polymerase III subunit B; plus strand), RFX4-AS1 (RFX4 antisense RNA 1; minus strand). Cytogenetic location: 12q23.3.
Variant type: single nucleotide variant.
Coding change: c.3073C>T on transcript NM_018082.6 (MANE Select); coding-DNA position 3073, C replaced by T.
Protein change: p.Arg1025Trp; replaces arginine 1025 with tryptophan.
Molecular consequence: missense variant.
Genome position (GRCh38, 1-based): chr12:106,501,411, C>T. VCF-style: chr12-106501411-C-T. GRCh37 (hg19) VCF-style: chr12-106895189-C-T.
Other names: c.2899C>T, p.Arg967Trp (NM_001160708.2); short protein forms R1025W, R967W.
Identifiers: ClinVar variation 4976323 (VCV004976323.1).
Genomic context (GRCh38, chr12:106,501,411, plus strand): 5'-GGCCCCGTGTACTATCAGAAGCTGAAACACATGGTGCTAGATAAAATGCATGCCCGGGCC[C>T]GGGGCCCACGAGCCGTCCTTACCAGGTAAGAGAAAAGTACTTACAAAAAGAATTGATAAT-3'
Protein context (NP_060552.4, residues 1015-1035): MVLDKMHARA[Arg1025Trp]GPRAVLTRQP